The following is an entry in ClinVar:

NM_033026.6(PCLO):c.2273A>G (p.Lys758Arg)

Gene: PCLO (piccolo presynaptic cytomatrix protein; minus strand). Cytogenetic location: 7q21.11.
Variant type: single nucleotide variant.
Coding change: c.2273A>G on transcript NM_033026.6 (MANE Select); coding-DNA position 2273, A replaced by G.
Protein change: p.Lys758Arg; replaces lysine 758 with arginine.
Molecular consequence: missense variant.
Genome position (GRCh38, 1-based): chr7:83,135,277, T>C on the plus strand (A>G on the coding strand, the complement: PCLO is on the minus strand). VCF-style: chr7-83135277-T-C. GRCh37 (hg19) VCF-style: chr7-82764593-T-C.
Other names: c.2273A>G, p.Lys758Arg (NM_014510.3); short protein forms K758R.
Identifiers: ClinVar variation 1380368 (VCV001380368.3), dbSNP rs554528863, ClinGen allele CA4321288.
Genomic context (GRCh38, chr7:83,135,277, plus strand): 5'-ATATCAGGTTTTGTTGTTGCTGATGATGAAGATACAAGGTCAGTGGTTGGCTTTACCATC[T>C]TGGGCTGCTTTGGTTTATCATCAGCAACAGGGGCCTTGTCCTGCTCAGATGGGACAGAAG-3'
Protein context (NP_149015.2, residues 748-768): PVADDKPKQP[Lys758Arg]MVKPTTDLVS

ClinVar aggregate classification (germline): Uncertain significance (1 of 4 stars; one submission).

Allele frequency attached by ClinVar (database versions not stated): gnomAD exomes 0.00001 and 0.00004; ExAC 0.00006; TOPMed 0.00012; gnomAD 0.00016 and 0.00017; 1000 Genomes Project 0.00020; 1000 Genomes Project 30x 0.00031.
gnomAD v4.1: 38 of 1,613,932 alleles (0.0024%); highest among the groups gnomAD compares: African/African-American, 0.043%; no homozygotes.

Submission:

Labcorp Genetics (formerly Invitae), Labcorp
Classification: Uncertain significance. Last evaluated: 2022-08-22. Review status: criteria provided, single submitter. Criteria: Invitae Variant Classification Sherloc (09022015). Collection method: clinical testing. Allele origin: germline.
Comment: This sequence change replaces lysine, which is basic and polar, with arginine, which is basic and polar, at codon 758 of the PCLO protein (p.Lys758Arg). This variant is present in population databases (rs554528863, gnomAD 0.06%). This variant has not been reported in the literature in individuals affected with PCLO-related conditions. ClinVar contains an entry for this variant (Variation ID: 1380368). Algorithms developed to predict the effect of missense changes on protein structure and function are either unavailable or do not agree on the potential impact of this missense change (SIFT: "Tolerated"; PolyPhen-2: "Not Available"; Align-GVGD: "Class C0"). In summary, the available evidence is currently insufficient to determine the role of this variant in disease. Therefore, it has been classified as a Variant of Uncertain Significance.